The following continues an entry in ClinVar:

NM_014625.4(NPHS2):c.868G>A (p.Val290Met)

ClinVar aggregate classification (germline): Pathogenic/Likely pathogenic. Pathogenic (14); Likely pathogenic (7).

Submissions 16 to 26 of 26:

Myriad Genetics, Inc.
Classification: Pathogenic for Nephrotic syndrome, type 2. Last evaluated: 2019-12-20. Review status: criteria provided, single submitter. Criteria: Myriad Women's Health Autosomal Recessive and X-Linked Classification Criteria (2019). Collection method: clinical testing. Allele origin: unknown.
Comment: NM_014625.2(NPHS2):c.868G>A(V290M) is classified as pathogenic in the context of NPHS2-related nephrotic syndrome. Sources cited for classification include the following: PMID 18216321, 23242530, 21171529, 17899208, 22578956, 11805166 and 14978175. Classification of NM_014625.2(NPHS2):c.868G>A(V290M) is based on the following criteria: This is a well-established pathogenic variant in the literature that has been observed more frequently in patients with clinical diagnoses than in healthy populations. Please note: this variant was assessed in the context of healthy population screening.

Illumina Laboratory Services, Illumina
Classification: Pathogenic for Nephrotic syndrome, type 2. Last evaluated: 2019-01-11. Review status: criteria provided, single submitter. Criteria: ICSL Variant Classification Criteria 09 May 2019. Collection method: clinical testing. Allele origin: germline.
Comment: The NPHS2 c.868G>A (p.Val290Met) missense variant is reported in six studies in which it is found in a total of 11 individuals affected with steroid-resistant nephrotic syndrome, including in five individuals in a compound heterozygous state, in three affected individuals in a homozygous state and in three individuals in a heterozygous state (Karle et al. 2002; SkÃ¡lovÃ¡ et al. 2010; ReiterovÃ¡ et al. 2012; Kerti et al. 2013; Lipska et al. 2013; BiÅ„czak-Kuleta et al. 2014). The p.Val290Met variant was absent from 700 control chromosomes and is reported at a frequency of 0.0002412 in the European (non-Finnish) population of the Genome Aggregation Database. Although this variant has been observed in the general population, its frequency is low enough to be consistent with a recessive carrier frequency. Based on the collective evidence, the p.Val290Met variant is classified as pathogenic for steroid-resistant nephrotic syndrome. This variant was observed by ICSL as part of a predisposition screen in an ostensibly healthy population.

Fulgent Genetics
Classification: Likely pathogenic for Nephrotic syndrome, type 2. Last evaluated: 2018-10-31. Review status: criteria provided, single submitter. Criteria: ACMG Guidelines, 2015. Collection method: clinical testing. Allele origin: unknown.

Women's Health and Genetics/Laboratory Corporation of America, LabCorp
Classification: Pathogenic for Idiopathic nephrotic syndrome. Last evaluated: 2016-11-10. Review status: criteria provided, single submitter. Criteria: LabCorp Variant Classification Summary - May 2015. Collection method: clinical testing. Allele origin: germline.
Comment: Variant summary: The NPHS2 c.868G>A (p.Val290Met) variant involves the alteration of a conserved nucleotide. 3/4 in silico tools predict a damaging outcome for this variant (SNPs&GO not captured due to low reliability index). This variant was found in 9/114830 control chromosomes at a frequency of 0.0000784, which does not exceed the estimated maximal expected allele frequency of a pathogenic NPHS2 variant (0.0017678). This variant has been reported in numerous patients with NSPH2. In addition, multiple clinical diagnostic laboratories/reputable databases classified this variant as likely pathogenic. Taken together, this variant is classified as pathogenic.

Laboratory for Molecular Medicine, Mass General Brigham Personalized Medicine
Classification: Likely pathogenic for Nephrotic syndrome, idiopathic, steroid-resistant. Last evaluated: 2014-05-12. Review status: criteria provided, single submitter. Criteria: LMM Criteria. Collection method: clinical testing. Allele origin: germline. Inheritance: Autosomal recessive inheritance. Observed: 1 variant allele. Study: CSER-MedSeq.
Comment: The p.Val290Met variant in NPHS2 has been reported in at least 5 individuals with steroid-resistant nephrotic syndrome. Two individuals were homozygous for this variant (Reiterova 2012, Kerti 2013) and three were compound heterozygotes (Karle 2002, Skalova 2010, Kerti 2013). The variant has been identified in 0.012% (1/8600) of European American chromosomes by the NHLBI Exome Sequencing Project Although this variant has been seen in the general population, its frequency is low enough to be consistent with a recessive carrier frequency. Computational analyses (biochemical amino acid properties, conservation, PolyPhen2) do not provide strong support for or against an impact to the protein. In summary, this variant is likely to be pathogenic, though additional studies are required to fully establish its clinical significance.

Kariminejad - Najmabadi Pathology & Genetics Center
Classification: Likely pathogenic for Nephrotic syndrome, type 2. Review status: criteria provided, single submitter. Criteria: ACMG Guidelines, 2015. Collection method: clinical testing. Allele origin: germline. Affected: no.

Biochemical Molecular Genetic Laboratory, King Abdulaziz Medical City
Classification: Pathogenic for Nephrotic syndrome, type 2. Last evaluated: 2020-09-10. Review status: no assertion criteria provided. Collection method: clinical testing. Allele origin: germline. Affected: yes. Not counted in ClinVar's aggregate classification.

Gharavi Laboratory, Columbia University
Classification: Pathogenic. Last evaluated: 2018-09-16. Review status: no assertion criteria provided. Criteria: ACMG Guidelines, 2015. Collection method: research. Allele origin: germline. Affected: yes. Not counted in ClinVar's aggregate classification.

OMIM
Classification: risk factor for NEPHROTIC SYNDROME, TYPE 2, SUSCEPTIBILITY TO. Last evaluated: 2013-05-01. Review status: no assertion criteria provided. Collection method: literature only. Allele origin: germline. Not counted in ClinVar's aggregate classification.

Clinical Genetics DNA and cytogenetics Diagnostics Lab, Erasmus MC, Erasmus Medical Center
Classification: Likely pathogenic. Review status: no assertion criteria provided. Collection method: clinical testing. Allele origin: germline. Affected: yes. Study: VKGL Data-share Consensus. Not counted in ClinVar's aggregate classification.

Genome Diagnostics Laboratory, Amsterdam University Medical Center
Classification: Likely pathogenic. Review status: no assertion criteria provided. Collection method: clinical testing. Allele origin: germline. Affected: yes. Study: VKGL Data-share Consensus. Not counted in ClinVar's aggregate classification.

Literature cited by the submitters: PubMed 11805166 (cited by 7 submitters); PubMed 21171529 (cited by 6 submitters); PubMed 30295827 (cited by 3 submitters); PubMed 30586318 (cited by Variantyx, Inc.); PubMed 30647093 (cited by Variantyx, Inc.); PubMed 24742477 (cited by Variantyx, Inc. and Women's Health and Genetics/Laboratory Corporation of America, LabCorp); PubMed 38170106 (cited by Variantyx, Inc.); PubMed 23242530 (cited by 7 submitters); PubMed 24856380 (cited by 3 submitters); PubMed 25349199 (cited by Natera, Inc.); PubMed 18216321 (cited by Myriad Genetics, Inc.); PubMed 17899208 (cited by Myriad Genetics, Inc.); PubMed 22578956 (cited by 4 submitters); PubMed 14978175 (cited by Myriad Genetics, Inc.); PubMed 23645318 (cited by Illumina Laboratory Services, Illumina).